The following is an entry in ClinVar:

ClinVar aggregate classification (germline): Uncertain significance (1 of 4 stars; one submission).

Allele frequency attached by ClinVar (database versions not stated): gnomAD exomes 0.00001; TOPMed 0.00001; gnomAD 0.00001; ESP Exome Variant Server 0.00008.
gnomAD v4.1: 8 of 1,611,534 alleles (0.0005%); highest among the groups gnomAD compares: Non-Finnish European, 0.00068%; no homozygotes.

Submission:

Labcorp Genetics (formerly Invitae), Labcorp
Classification: Uncertain significance. Last evaluated: 2022-06-23. Review status: criteria provided, single submitter. Criteria: Invitae Variant Classification Sherloc (09022015). Collection method: clinical testing. Allele origin: germline.
Comment: In summary, the available evidence is currently insufficient to determine the role of this variant in disease. Therefore, it has been classified as a Variant of Uncertain Significance. Algorithms developed to predict the effect of missense changes on protein structure and function are either unavailable or do not agree on the potential impact of this missense change (SIFT: "Tolerated"; PolyPhen-2: "Possibly Damaging"; Align-GVGD: "Class C0"). This variant has not been reported in the literature in individuals affected with AHDC1-related conditions. The frequency data for this variant in the population databases is considered unreliable, as metrics indicate poor data quality at this position in the gnomAD database. This sequence change replaces proline, which is neutral and non-polar, with serine, which is neutral and polar, at codon 650 of the AHDC1 protein (p.Pro650Ser).

NM_001371928.1(AHDC1):c.1948C>T (p.Pro650Ser)

Gene: AHDC1 (AT-hook DNA binding motif containing 1; minus strand). Cytogenetic location: 1p36.11.
Variant type: single nucleotide variant.
Coding change: c.1948C>T on transcript NM_001371928.1 (MANE Select); coding-DNA position 1948, C replaced by T.
Protein change: p.Pro650Ser; replaces proline 650 with serine.
Molecular consequence: missense variant.
Genome position (GRCh38, 1-based): chr1:27,550,168, G>A on the plus strand (C>T on the coding strand, the complement: AHDC1 is on the minus strand). VCF-style: chr1-27550168-G-A. GRCh37 (hg19) VCF-style: chr1-27876679-G-A.
Other names: c.1948C>T, p.Pro650Ser (NM_001029882.3); short protein forms P650S.
Identifiers: ClinVar variation 2069155 (VCV002069155.4), dbSNP rs377758563, ClinGen allele CA19876945.